The following is an entry in ClinVar:

NM_004284.6(CHD1L):c.834A>G (p.Ile278Met)

Gene: CHD1L (chromodomain helicase DNA binding protein 1 like; plus strand). Cytogenetic location: 1q21.1.
Variant type: single nucleotide variant.
Coding change: c.834A>G on transcript NM_004284.6 (MANE Select); coding-DNA position 834, A replaced by G.
Protein change: p.Ile278Met; replaces isoleucine 278 with methionine.
Molecular consequence: missense variant. On other transcripts: 5 prime UTR variant (12), non-coding transcript variant (15).
Genome position (GRCh38, 1-based): chr1:147,266,026, A>G. VCF-style: chr1-147266026-A-G. GRCh37 (hg19) VCF-style: chr1-146737685-A-G.
Other names: c.534A>G, p.Ile178Met (NM_001256336.3); c.-10A>G (NM_001256337.3, NM_001348456.2, NM_001348457.2 and 9 more transcripts); c.222A>G, p.Ile74Met (NM_001256338.3); c.618A>G, p.Ile206Met (NM_001348451.2, NM_001348452.2); c.495A>G, p.Ile165Met (NM_001348453.2, NM_024568.4); c.378A>G, p.Ile126Met (NM_001348454.2); c.345A>G, p.Ile115Met (NM_001348455.2); short protein forms I278M, I115M, I126M, I206M, I178M, I74M, I165M.
Identifiers: ClinVar variation 279755 (VCV000279755.2), dbSNP rs886041164, ClinGen allele CA10602731.

ClinVar aggregate classification (germline): Uncertain significance (1 of 4 stars; one submission).

Allele frequency attached by ClinVar (database versions not stated): gnomAD exomes below 0.00001; TOPMed 0.00001.
gnomAD v4.1: 1 of 1,613,898 alleles (0.000062%); highest among the groups gnomAD compares: Non-Finnish European, 0.000085%; no homozygotes.

Submission:

GeneDx
Classification: Uncertain significance. Last evaluated: 2016-01-14. Review status: criteria provided, single submitter. Criteria: GeneDx Variant Classification (06012015). Collection method: clinical testing. Allele origin: germline. Affected: yes.
Comment: The I278M variant in the CHD1L gene has not been published as a pathogenic variant, nor has it been reported as a benign polymorphism to our knowledge. The I278M variant was not observed in approximately 6500 individuals of European and African American ancestry in the NHLBI Exome Sequencing Project, indicating it is not a common benign variant in these populations. The I278M variant is a conservative amino acid substitution, which occurs at a position that is moderately conserved across mammalian species; Methionine is present at this position in some species of fish. In silico analysis is inconsistent in its predictions as to whether or not the variant is damaging to the protein structure/function. We interpret I278M as a variant of unknown significance.